The following is an entry in ClinVar:

ClinVar aggregate classification (germline): Uncertain significance (1 of 4 stars; one submission).

Allele frequency attached by ClinVar (database versions not stated): ExAC 0.00002; gnomAD 0.00003; TOPMed 0.00004.
gnomAD v4.1: 24 of 1,603,650 alleles (0.0015%); highest among the groups gnomAD compares: Non-Finnish European, 0.00025%; no homozygotes.

Submission:

Labcorp Genetics (formerly Invitae), Labcorp
Classification: Uncertain significance. Last evaluated: 2022-01-18. Review status: criteria provided, single submitter. Criteria: Invitae Variant Classification Sherloc (09022015). Collection method: clinical testing. Allele origin: germline.
Comment: This sequence change replaces glutamic acid, which is acidic and polar, with aspartic acid, which is acidic and polar, at codon 484 of the BLK protein (p.Glu484Asp). This variant is present in population databases (rs751027194, gnomAD 0.07%), and has an allele count higher than expected for a pathogenic variant. This variant has not been reported in the literature in individuals affected with BLK-related conditions. Algorithms developed to predict the effect of missense changes on protein structure and function are either unavailable or do not agree on the potential impact of this missense change (SIFT: "Deleterious"; PolyPhen-2: "Benign"; Align-GVGD: "Class C35"). In summary, the available evidence is currently insufficient to determine the role of this variant in disease. Therefore, it has been classified as a Variant of Uncertain Significance.

NM_001715.3(BLK):c.1452G>C (p.Glu484Asp)

Gene: BLK (BLK proto-oncogene, Src family tyrosine kinase). Cytogenetic location: 8p23.1.
Variant type: single nucleotide variant.
Coding change: c.1452G>C on transcript NM_001715.3 (MANE Select); coding-DNA position 1452, G replaced by C.
Protein change: p.Glu484Asp; replaces glutamic acid 484 with aspartic acid.
Molecular consequence: missense variant.
Genome position (GRCh38, 1-based): chr8:11,564,042, G>C. VCF-style: chr8-11564042-G-C. GRCh37 (hg19) VCF-style: chr8-11421551-G-C.
Other names: c.1239G>C, p.Glu413Asp (NM_001330465.2); short protein forms E413D, E484D.
Identifiers: ClinVar variation 2427877 (VCV002427877.6), dbSNP rs751027194, ClinGen allele CA4630525.
Genomic context (GRCh38, chr8:11,564,042, plus strand): 5'-GTACCGCGGCGTCATCGCCGAGTGCTGGCGCAGCCGGCCCGAGGAGCGGCCCACCTTCGA[G>C]TTCCTGCAGTCGGTGCTGGAGGACTTCTACACGGCCACCGAGCGGCAGTACGAGCTGCAG-3'
Protein context (NP_001706.2, residues 474-494): RSRPEERPTF[Glu484Asp]FLQSVLEDFY